The following is an entry in ClinVar:

NM_000553.6(WRN):c.2165A>C (p.Asn722Thr)

Gene: WRN (WRN RecQ like helicase; plus strand). Cytogenetic location: 8p12.
Variant type: single nucleotide variant.
Coding change: c.2165A>C on transcript NM_000553.6 (MANE Select); coding-DNA position 2165, A replaced by C.
Protein change: p.Asn722Thr; replaces asparagine 722 with threonine.
Molecular consequence: missense variant.
Genome position (GRCh38, 1-based): chr8:31,111,691, A>C. VCF-style: chr8-31111691-A-C. GRCh37 (hg19) VCF-style: chr8-30969207-A-C.
Other names: short protein forms N722T.
Identifiers: ClinVar variation 2738041 (VCV002738041.3), dbSNP rs186693124, ClinGen allele CA370912639.
Genomic context (GRCh38, chr8:31,111,691, plus strand): 5'-TTACTGCTACTGCAAGTTCTTCAATCCGGGAAGACATTGTACGTTGCTTAAATCTGAGAA[A>C]TCCTCAGATCACCTGTACTGGTTTTGATCGACCAAACCTGTATTTAGAAGTTAGGCGAAA-3'
Protein context (NP_000544.2, residues 712-732): EDIVRCLNLR[Asn722Thr]PQITCTGFDR

ClinVar aggregate classification (germline): Uncertain significance (1 of 4 stars; one submission).

Conditions:
Werner syndrome (WRN). Identifiers: Orphanet 902, MedGen C0043119, MONDO:0010196, OMIM 277700.

gnomAD v4.1: 5 of 1,614,078 alleles (0.00031%); highest among the groups gnomAD compares: Non-Finnish European, 0.00034%; no homozygotes.

Submission:

Labcorp Genetics (formerly Invitae), Labcorp
Classification: Uncertain significance for Werner syndrome. Last evaluated: 2023-09-05. Review status: criteria provided, single submitter. Criteria: Invitae Variant Classification Sherloc (09022015). Collection method: clinical testing. Allele origin: germline.
Comment: In summary, the available evidence is currently insufficient to determine the role of this variant in disease. Therefore, it has been classified as a Variant of Uncertain Significance. An algorithm developed to predict the effect of missense changes on protein structure and function (PolyPhen-2) suggests that this variant is likely to be disruptive. This variant has not been reported in the literature in individuals affected with WRN-related conditions. This variant is not present in population databases (gnomAD no frequency). This sequence change replaces asparagine, which is neutral and polar, with threonine, which is neutral and polar, at codon 722 of the WRN protein (p.Asn722Thr).